The following is an entry in ClinVar:

NM_006015.6(ARID1A):c.4813C>G (p.Pro1605Ala)

Gene: ARID1A (AT-rich interaction domain 1A; plus strand). Cytogenetic location: 1p36.11.
Variant type: single nucleotide variant.
Coding change: c.4813C>G on transcript NM_006015.6 (MANE Select); coding-DNA position 4813, C replaced by G.
Protein change: p.Pro1605Ala; replaces proline 1605 with alanine.
Molecular consequence: missense variant.
Genome position (GRCh38, 1-based): chr1:26,775,040, C>G. VCF-style: chr1-26775040-C-G. GRCh37 (hg19) VCF-style: chr1-27101531-C-G.
Other names: c.4162C>G, p.Pro1388Ala (NM_139135.4); short protein forms P1388A, P1605A.
Identifiers: ClinVar variation 3383662 (VCV003383662.1).

ClinVar aggregate classification (germline): Uncertain significance (1 of 4 stars; one submission).

Submission:

GeneDx
Classification: Uncertain significance. Last evaluated: 2024-05-28. Review status: criteria provided, single submitter. Criteria: GeneDx Variant Classification Process June 2021. Collection method: clinical testing. Allele origin: germline. Affected: yes.
Comment: Not observed at significant frequency in large population cohorts (gnomAD); In silico analysis supports that this missense variant has a deleterious effect on protein structure/function; Has not been previously published as pathogenic or benign to our knowledge